The following is an entry in ClinVar:

ClinVar aggregate classification (germline): Uncertain significance (1 of 4 stars; one submission).

Conditions:
Tuberous sclerosis 2 (TSC2). Identifiers: Orphanet 805, MedGen C1860707, MONDO:0013199, OMIM 613254.

gnomAD v4.1: 1 of 1,612,442 alleles (0.000062%); highest among the groups gnomAD compares: African/African-American, 0.0013%; no homozygotes.

Submission:

Labcorp Genetics (formerly Invitae), Labcorp
Classification: Uncertain significance for Tuberous sclerosis 2. Last evaluated: 2025-07-31. Review status: criteria provided, single submitter. Criteria: Invitae Variant Classification Sherloc (09022015). Collection method: clinical testing. Allele origin: germline.
Comment: This sequence change replaces glycine, which is neutral and non-polar, with valine, which is neutral and non-polar, at codon 1193 of the TSC2 protein (p.Gly1193Val). This variant is not present in population databases (gnomAD no frequency). This variant has not been reported in the literature in individuals affected with TSC2-related conditions. ClinVar contains an entry for this variant (Variation ID: 944105). Invitae Evidence Modeling of protein sequence and biophysical properties (such as structural, functional, and spatial information, amino acid conservation, physicochemical variation, residue mobility, and thermodynamic stability) has been performed for this missense variant. However, the output from this modeling did not meet the statistical confidence thresholds required to predict the impact of this variant on TSC2 protein function. In summary, the available evidence is currently insufficient to determine the role of this variant in disease. Therefore, it has been classified as a Variant of Uncertain Significance.

NM_000548.5(TSC2):c.3578G>T (p.Gly1193Val)

Gene: TSC2 (TSC complex subunit 2; plus strand). Cytogenetic location: 16p13.3.
Variant type: single nucleotide variant.
Coding change: c.3578G>T on transcript NM_000548.5 (MANE Select); coding-DNA position 3578, G replaced by T.
Protein change: p.Gly1193Val; replaces glycine 1193 with valine.
Molecular consequence: missense variant.
Genome position (GRCh38, 1-based): chr16:2,080,345, G>T. VCF-style: chr16-2080345-G-T. GRCh37 (hg19) VCF-style: chr16-2130346-G-T.
Other names: c.3446G>T, p.Gly1149Val (NM_001077183.3, NM_001370404.1); c.3578G>T, p.Gly1193Val (NM_001114382.3); c.3338G>T, p.Gly1113Val (NM_001318827.2); c.3302G>T, p.Gly1101Val (NM_001318829.2); c.2846G>T, p.Gly949Val (NM_001318831.2); c.3479G>T, p.Gly1160Val (NM_001318832.2); c.3449G>T, p.Gly1150Val (NM_001363528.2, NM_001370405.1, NM_021055.3); short protein forms G1149V, G1160V, G1113V, G1150V, G1193V, G1101V, G949V.
Identifiers: ClinVar variation 944105 (VCV000944105.9), dbSNP rs2089978360, ClinGen allele CA394289626.